The following is an entry in ClinVar:

NM_003072.5(SMARCA4):c.760+3A>G

Gene: SMARCA4 (SWI/SNF related BAF chromatin remodeling complex subunit ATPase 4; plus strand). Cytogenetic location: 19p13.2.
Variant type: single nucleotide variant.
Coding change: c.760+3A>G on transcript NM_003072.5 (MANE Select); 3 bases into the intron after coding-DNA position 760, A replaced by G.
Molecular consequence: intron variant.
Genome position (GRCh38, 1-based): chr19:10,986,596, A>G. VCF-style: chr19-10986596-A-G. GRCh37 (hg19) VCF-style: chr19-11097272-A-G.
Other names: c.760+3A>G (NM_001128844.3, NM_001128849.3, NM_001128847.4 and 4 more transcripts).
Identifiers: ClinVar variation 827150 (VCV000827150.5), dbSNP rs1599953765, ClinGen allele CA915952568.

ClinVar aggregate classification (germline): Uncertain significance (1 of 4 stars; one submission).

Conditions:
Hereditary cancer-predisposing syndrome. Also called: Hereditary Cancer Syndrome; Tumor predisposition; Neoplastic Syndromes, Hereditary; Hereditary neoplastic syndrome. Identifiers: Orphanet 140162, MedGen C0027672, MeSH D009386, MONDO:0015356.

Submission:

Ambry Genetics
Classification: Uncertain significance for Hereditary cancer-predisposing syndrome. Last evaluated: 2026-02-16. Review status: criteria provided, single submitter. Criteria: Ambry Variant Classification Scheme 2023. Collection method: clinical testing. Allele origin: germline.
Comment: The c.760+3A>G intronic variant results from an A to G substitution 3 nucleotides after coding exon 3 in the SMARCA4 gene. This nucleotide position is not well conserved in available vertebrate species. In silico splice site analysis predicts that this alteration may result in the creation or strengthening of a novel splice donor site. Based on the available evidence, the clinical significance of this variant remains unclear.